The following is an entry in ClinVar:

ClinVar aggregate classification (germline): Benign. Review status: criteria provided, multiple submitters, no conflicts (2 of 4 stars). 2 submissions from 2 submitters: Benign (2). Last evaluated 2026-01-09.

Conditions:
Retinitis pigmentosa (RP). Identifiers: Orphanet 791, MedGen C0035334, MeSH D012174, MONDO:0019200, OMIM 268000. Inheritance: Autosomal dominant, autosomal recessive and X linked inheritance.

Allele frequency attached by ClinVar (database versions not stated): gnomAD exomes 0.00064 and 0.00173; ExAC 0.00224; 1000 Genomes Project 0.00579; 1000 Genomes Project 30x 0.00609; gnomAD 0.00706 and 0.00763; ESP Exome Variant Server 0.00738; TOPMed 0.00765.
gnomAD v4.1: 2,044 of 1,614,068 alleles (0.13%); highest among the groups gnomAD compares: African/African-American, 2.4%; 25 homozygotes.

Submissions (2):

Labcorp Genetics (formerly Invitae), Labcorp
Classification: Benign. Last evaluated: 2026-01-09. Review status: criteria provided, single submitter. Criteria: Invitae Variant Classification Sherloc (09022015). Collection method: clinical testing. Allele origin: germline.

Illumina Laboratory Services, Illumina
Classification: Benign for Retinitis pigmentosa. Last evaluated: 2018-01-13. Review status: criteria provided, single submitter. Criteria: ICSL Variant Classification Criteria 13 December 2019. Collection method: clinical testing. Allele origin: germline.
Comment: This variant was observed in the ICSL laboratory as part of a predisposition screen in an ostensibly healthy population. It had not been previously curated by ICSL or reported in the Human Gene Mutation Database (HGMD: prior to June 1st, 2018), and was therefore a candidate for classification through an automated scoring system. Utilizing variant allele frequency, disease prevalence and penetrance estimates, and inheritance mode, an automated score was calculated to assess if this variant is too frequent to cause the disease. Based on the score and internal cut-off values, a variant classified as benign is not then subjected to further curation. The score for this variant resulted in a classification of benign for this disease.

NM_015629.4(PRPF31):c.1416G>A (p.Val472=)

Gene: PRPF31 (pre-mRNA processing factor 31; plus strand). Cytogenetic location: 19q13.42.
Variant type: single nucleotide variant.
Coding change: c.1416G>A on transcript NM_015629.4 (MANE Select); coding-DNA position 1416, G replaced by A.
Protein change: p.Val472=; no amino-acid change (valine 472 retained).
Molecular consequence: synonymous variant.
Genome position (GRCh38, 1-based): chr19:54,131,348, G>A. VCF-style: chr19-54131348-G-A. GRCh37 (hg19) VCF-style: chr19-54634779-G-A.
Identifiers: ClinVar variation 330110 (VCV000330110.13), dbSNP rs145958840, ClinGen allele CA309332325.